The following is an entry in ClinVar:

ClinVar aggregate classification (germline): Pathogenic (1 of 4 stars; one submission).

Conditions:
Oto-palato-digital syndrome, type II (OPD2). Also called: FACIOPALATOOSSEOUS SYNDROME; OPD II SYNDROME; Otopalatodigital Syndrome, Type II; Otopalatodigital Syndrome Type 2 (FLNA-OPD2). Identifiers: Orphanet 669, Orphanet 90652, MedGen C1844696, MONDO:0010571, OMIM 304120.
Heterotopia, periventricular, X-linked dominant (PVNH1). Also called: PERIVENTRICULAR NODULAR HETEROTOPIA 1; X-linked periventricular heterotopia; PERIVENTRICULAR NODULAR HETEROTOPIA 4; HETEROTOPIA, PERIVENTRICULAR, 1. Identifiers: Orphanet 2149, Orphanet 82004, MedGen C1848213, MONDO:0010233, OMIM 300049.
Frontometaphyseal dysplasia (FMD1). Identifiers: Orphanet 1826, MedGen C0265293, MONDO:0015942.
Melnick-Needles syndrome (MNS). Also called: MELNICK-NEEDLES OSTEODYSPLASTY; OSTEODYSPLASTY OF MELNICK AND NEEDLES; Melnick-Needles Syndrome (FLNA-MNS). Identifiers: Orphanet 2484, MedGen C0025237, MONDO:0010650, OMIM 309350.

Submission:

Labcorp Genetics (formerly Invitae), Labcorp
Classification: Pathogenic for Oto-palato-digital syndrome, type II; Heterotopia, periventricular, X-linked dominant; Frontometaphyseal dysplasia; Melnick-Needles syndrome. Last evaluated: 2025-01-15. Review status: criteria provided, single submitter. Criteria: Invitae Variant Classification Sherloc (09022015). Collection method: clinical testing. Allele origin: germline.
Comment: This sequence change affects a donor splice site in intron 46 of the FLNA gene. While this variant is not anticipated to result in nonsense mediated decay, it likely alters RNA splicing and results in a disrupted protein product. This variant is not present in population databases (gnomAD no frequency). This variant has not been reported in the literature in individuals affected with FLNA-related conditions. ClinVar contains an entry for this variant (Variation ID: 2943911). Variants that disrupt the consensus splice site are a relatively common cause of aberrant splicing (PMID: 17576681, 9536098). Algorithms developed to predict the effect of sequence changes on RNA splicing suggest that this variant may disrupt the consensus splice site. This variant disrupts a region of the FLNA protein in which other variant(s) (p.Leu2583del) have been determined to be pathogenic (internal data). This suggests that this is a clinically significant region of the protein, and that variants that disrupt it are likely to be disease-causing. For these reasons, this variant has been classified as Pathogenic.

Literature cited by the submitters: PubMed 17576681; PubMed 9536098.

NM_001110556.2(FLNA):c.7756+2T>A

Genes: FLNA (filamin A; minus strand), LOC107988032 (Xq28 proximal FLNA-EMD recombination region; plus strand). Cytogenetic location: Xq28.
Variant type: single nucleotide variant.
Coding change: c.7756+2T>A on transcript NM_001110556.2 (MANE Select); the canonical splice donor site of the intron after coding-DNA position 7756, T replaced by A.
Molecular consequence: splice donor variant.
Genome position (GRCh38, 1-based): chrX:154,349,360, A>T on the plus strand (T>A on the coding strand, the complement: FLNA is on the minus strand). VCF-style: chrX-154349360-A-T. GRCh37 (hg19) VCF-style: chrX-153577728-A-T.
Other names: c.7732+2T>A (NM_001456.4).
Identifiers: ClinVar variation 2943911 (VCV002943911.3), dbSNP rs111243479, ClinGen allele CA337272653.